The following is an entry in ClinVar:

NM_001394998.1(TANC2):c.1752C>T (p.Asp584=)

Gene: TANC2 (tetratricopeptide repeat, ankyrin repeat and coiled-coil containing 2; plus strand). Cytogenetic location: 17q23.3.
Variant type: single nucleotide variant.
Coding change: c.1752C>T on transcript NM_001394998.1 (MANE Select); coding-DNA position 1752, C replaced by T.
Protein change: p.Asp584=; no amino-acid change (aspartic acid 584 retained).
Molecular consequence: synonymous variant.
Genome position (GRCh38, 1-based): chr17:63,340,277, C>T. VCF-style: chr17-63340277-C-T. GRCh37 (hg19) VCF-style: chr17-61417638-C-T.
Other names: c.1530C>T, p.Asp510= (NM_001411076.1, NM_025185.4).
Identifiers: ClinVar variation 3050822 (VCV003050822.10), dbSNP rs776653781, ClinGen allele CA8697654.

ClinVar aggregate classification (germline): Likely benign. Review status: criteria provided, single submitter (1 of 4 stars). 2 submissions from 2 submitters: Likely benign (1). 1 of the submissions does not count toward it. Last evaluated 2025-07-01.

Conditions:
TANC2-related disorder. Also called: TANC2-related condition.

Allele frequency attached by ClinVar (database versions not stated): ExAC 0.00003; TOPMed 0.00004; gnomAD 0.00005; gnomAD exomes 0.00017.

Submissions (2):

CeGaT Center for Human Genetics Tuebingen
Classification: Likely benign. Last evaluated: 2025-07-01. Review status: criteria provided, single submitter. Criteria: CeGaT Center For Human Genetics Tuebingen Variant Classification Criteria Version 2. Collection method: clinical testing. Allele origin: germline. Affected: yes. Observed: 1 variant allele.
Comment: TANC2: BP4, BP7

PreventionGenetics, part of Exact Sciences
Classification: Likely benign for TANC2-related condition. Last evaluated: 2019-07-11. Review status: no assertion criteria provided. Collection method: clinical testing. Allele origin: germline. Not counted in ClinVar's aggregate classification.
Comment: This variant is classified as likely benign based on ACMG/AMP sequence variant interpretation guidelines (Richards et al. 2015 PMID: 25741868, with internal and published modifications).